The following is an entry in ClinVar:

ClinVar aggregate classification (germline): Likely benign (1 of 4 stars; one submission).

Conditions:
PTH1R-related disorder. Also called: PTH1R-related condition.

Submission:

PreventionGenetics, part of Exact Sciences
Classification: Likely benign for PTH1R-related condition. Last evaluated: 2024-10-17. Review status: criteria provided, single submitter. Criteria: ACMG Guidelines, 2015. Collection method: clinical testing. Allele origin: germline.
Comment: This variant is classified as likely benign based on ACMG/AMP sequence variant interpretation guidelines (Richards et al. 2015 PMID: 25741868, with internal and published modifications).

NM_000316.3(PTH1R):c.1170G>A (p.Arg390=)

Gene: PTH1R (parathyroid hormone 1 receptor; plus strand). Cytogenetic location: 3p21.31.
Variant type: single nucleotide variant.
Coding change: c.1170G>A on transcript NM_000316.3 (MANE Select); coding-DNA position 1170, G replaced by A.
Protein change: p.Arg390=; no amino-acid change (arginine 390 retained).
Molecular consequence: synonymous variant.
Genome position (GRCh38, 1-based): chr3:46,901,819, G>A. VCF-style: chr3-46901819-G-A. GRCh37 (hg19) VCF-style: chr3-46943309-G-A.
Other names: c.1170G>A, p.Arg390= (NM_001184744.1).
Identifiers: ClinVar variation 4981995 (VCV004981995.1).